The following is an entry in ClinVar:

NM_003995.4(NPR2):c.2036C>T (p.Ala679Val)

Gene: NPR2 (natriuretic peptide receptor 2; plus strand). Cytogenetic location: 9p13.3.
Variant type: single nucleotide variant.
Coding change: c.2036C>T on transcript NM_003995.4 (MANE Select); coding-DNA position 2036, C replaced by T.
Protein change: p.Ala679Val; replaces alanine 679 with valine.
Molecular consequence: missense variant.
Genome position (GRCh38, 1-based): chr9:35,805,659, C>T. VCF-style: chr9-35805659-C-T. GRCh37 (hg19) VCF-style: chr9-35805656-C-T.
Other names: c.2045C>T, p.Ala682Val (NM_001378923.1); short protein forms A682V, A679V.
Identifiers: ClinVar variation 2938413 (VCV002938413.3), dbSNP rs1828342307, ClinGen allele CA373377067.

ClinVar aggregate classification (germline): Uncertain significance (1 of 4 stars; one submission).

Conditions:
Acromesomelic dysplasia 1, Maroteaux type (AMD1). Also called: ST. HELENA DYSPLASIA; ACROMESOMELIC DYSPLASIA 1. Identifiers: Orphanet 40, MedGen C1864356, MONDO:0011275, OMIM 602875.
Tall stature-scoliosis-macrodactyly of the great toes syndrome. Also called: Epiphyseal chondrodysplasia, miura type. Identifiers: Orphanet 329191, MedGen C4014690, MONDO:0014401, OMIM 615923.

Allele frequency attached by ClinVar (database versions not stated): gnomAD 0.00001.
gnomAD v4.1: 1 of 1,613,930 alleles (0.000062%); highest among the groups gnomAD compares: South Asian, 0.0011%; no homozygotes.

Submission:

Labcorp Genetics (formerly Invitae), Labcorp
Classification: Uncertain significance for Tall stature-scoliosis-macrodactyly of the great toes syndrome; Acromesomelic dysplasia 1, Maroteaux type. Last evaluated: 2023-04-24. Review status: criteria provided, single submitter. Criteria: Invitae Variant Classification Sherloc (09022015). Collection method: clinical testing. Allele origin: germline.
Comment: In summary, the available evidence is currently insufficient to determine the role of this variant in disease. Therefore, it has been classified as a Variant of Uncertain Significance. Advanced modeling of protein sequence and biophysical properties (such as structural, functional, and spatial information, amino acid conservation, physicochemical variation, residue mobility, and thermodynamic stability) performed at Invitae indicates that this missense variant is not expected to disrupt NPR2 protein function. This variant has not been reported in the literature in individuals affected with NPR2-related conditions. This variant is not present in population databases (gnomAD no frequency). This sequence change replaces alanine, which is neutral and non-polar, with valine, which is neutral and non-polar, at codon 679 of the NPR2 protein (p.Ala679Val).